The following is an entry in ClinVar:

ClinVar aggregate classification (germline): Benign (0 of 4 stars; one submission).

Conditions:
PDZD2-related disorder. Also called: PDZD2-related condition.

Allele frequency attached by ClinVar (database versions not stated): 1000 Genomes Project 0.01398; 1000 Genomes Project 30x 0.01421; TOPMed 0.02501; gnomAD 0.02521; ExAC 0.02820; ESP Exome Variant Server 0.02891.
gnomAD v4.1: 56,535 of 1,614,114 alleles (3.5%); highest among the groups gnomAD compares: Non-Finnish European, 4.2%; 1,158 homozygotes.

Submission:

PreventionGenetics, part of Exact Sciences
Classification: Benign for PDZD2-related condition. Last evaluated: 2019-02-19. Review status: no assertion criteria provided. Collection method: clinical testing. Allele origin: germline.
Comment: This variant is classified as benign based on ACMG/AMP sequence variant interpretation guidelines (Richards et al. 2015 PMID: 25741868, with internal and published modifications).

NM_178140.4(PDZD2):c.3876G>A (p.Pro1292=)

Gene: PDZD2 (PDZ domain containing 2; plus strand). Cytogenetic location: 5p13.3.
Variant type: single nucleotide variant.
Coding change: c.3876G>A on transcript NM_178140.4 (MANE Select); coding-DNA position 3876, G replaced by A.
Protein change: p.Pro1292=; no amino-acid change (proline 1292 retained).
Molecular consequence: synonymous variant.
Genome position (GRCh38, 1-based): chr5:32,087,324, G>A. VCF-style: chr5-32087324-G-A. GRCh37 (hg19) VCF-style: chr5-32087430-G-A.
Identifiers: ClinVar variation 3055777 (VCV003055777.2), dbSNP rs3135427, ClinGen allele CA3219598.
Genomic context (GRCh38, chr5:32,087,324, plus strand): 5'-GGTCACCAAGTGCAAGGCCAGGTCTCCAGTCAGGCTCCCCCATGAGGGCAGCCCCTCCCC[G>A]GGGGAGAAAGCAGCGGCTCCCCCTGACTACAGCAAGACTCGATCAGCATCGGAAACCAGC-3'
Protein context (NP_835260.2, residues 1282-1302): VRLPHEGSPS[Pro1292=]GEKAAAPPDY